The following is an entry in ClinVar:

NM_000533.5(PLP1):c.91C>G (p.Leu31Val)

Genes: PLP1 (proteolipid protein 1; plus strand), RAB9B (RAB9B, member RAS oncogene family; minus strand). Cytogenetic location: Xq22.2.
Variant type: single nucleotide variant.
Coding change: c.91C>G on transcript NM_000533.5 (MANE Select); coding-DNA position 91, C replaced by G.
Protein change: p.Leu31Val; replaces leucine 31 with valine.
Molecular consequence: missense variant. On other transcripts: intron variant (1).
Genome position (GRCh38, 1-based): chrX:103,785,668, C>G. VCF-style: chrX-103785668-C-G. GRCh37 (hg19) VCF-style: chrX-103040597-C-G.
Other names: c.91C>G, p.Leu31Val (NM_001128834.3, NM_199478.3); c.5-79C>G (NM_001305004.1); short protein forms L31V.
Identifiers: ClinVar variation 1319309 (VCV001319309.4), dbSNP rs1391989749, ClinGen allele CA414102027.

ClinVar aggregate classification (germline): Uncertain significance. Review status: criteria provided, multiple submitters, no conflicts (2 of 4 stars). 2 submissions from 2 submitters: Uncertain significance (2). Last evaluated 2025-06-06.

Submissions (2):

Women's Health and Genetics/Laboratory Corporation of America, LabCorp
Classification: Uncertain significance. Last evaluated: 2025-06-06. Review status: criteria provided, single submitter. Criteria: LabCorp Variant Classification Summary - May 2015. Collection method: clinical testing. Allele origin: germline.
Comment: Variant summary: PLP1 c.91C>G (p.Leu31Val) results in a conservative amino acid change in the encoded protein sequence. Algorithms developed to predict the effect of missense changes on protein structure and function are either unavailable or do not agree on the potential impact of this missense change. The variant was absent in 183410 control chromosomes. The available data on variant occurrences in the general population are insufficient to allow any conclusion about variant significance. This report does not provide unequivocal conclusions about association of the variant with Pelizaeus-Merzbacher disease. Experimental evidence evaluating an impact on protein function found that the variant did not impact protein expression and had a mild effect on trafficking, resulting in greater retention in the ER compared to the WT protein, however, these findings do not allow convincing conclusions about the variant effect (Cloake_2018). The following publication has been ascertained in the context of this evaluation (PMID: 30314286). ClinVar contains an entry for this variant (Variation ID: 1319309). Based on the evidence outlined above, the variant was classified as uncertain significance.

Institute for Clinical Genetics, University Hospital TU Dresden, University Hospital TU Dresden
Classification: Uncertain significance. Last evaluated: 2021-11-03. Review status: criteria provided, single submitter. Criteria: ACMG Guidelines, 2015. Collection method: clinical testing. Allele origin: germline.

Literature cited by the submitters: PubMed 30314286 (cited by Women's Health and Genetics/Laboratory Corporation of America, LabCorp).